The following is an entry in ClinVar:

ClinVar aggregate classification (germline): Uncertain significance (1 of 4 stars; one submission).

Submission:

GeneDx
Classification: Uncertain significance. Last evaluated: 2026-03-26. Review status: criteria provided, single submitter. Criteria: GeneDx Variant Classification Process June 2021. Collection method: clinical testing. Allele origin: germline.
Comment: Not observed at significant frequency in large population cohorts (gnomAD); In silico analysis supports that this missense variant has a deleterious effect on protein structure/function; Has not been previously published as pathogenic or benign to our knowledge

NM_001282116.2(RFX3):c.1915G>A (p.Glu639Lys)

Gene: RFX3 (regulatory factor X3; minus strand). Cytogenetic location: 9p24.2.
Variant type: single nucleotide variant.
Coding change: c.1915G>A on transcript NM_001282116.2 (MANE Select); coding-DNA position 1915, G replaced by A.
Protein change: p.Glu639Lys; replaces glutamic acid 639 with lysine.
Molecular consequence: missense variant.
Genome position (GRCh38, 1-based): chr9:3,248,085, C>T on the plus strand (G>A on the coding strand, the complement: RFX3 is on the minus strand). VCF-style: chr9-3248085-C-T. GRCh37 (hg19) VCF-style: chr9-3248085-C-T.
Other names: c.1915G>A, p.Glu639Lys (NM_001377999.1, NM_002919.4, NM_134428.3); short protein forms E639K.
Identifiers: ClinVar variation 5017693 (VCV005017693.1).